The following is an entry in ClinVar:

NM_000138.5(FBN1):c.5672-2A>T

Gene: FBN1 (fibrillin 1; minus strand). Cytogenetic location: 15q21.1.
Variant type: single nucleotide variant.
Coding change: c.5672-2A>T on transcript NM_000138.5 (MANE Select); the canonical splice acceptor site of the intron before coding-DNA position 5672, A replaced by T.
Molecular consequence: splice acceptor variant.
Genome position (GRCh38, 1-based): chr15:48,446,824, T>A on the plus strand (A>T on the coding strand, the complement: FBN1 is on the minus strand). VCF-style: chr15-48446824-T-A. GRCh37 (hg19) VCF-style: chr15-48739021-T-A.
Other names: c.5672-2A>T (NM_001406716.1).
Identifiers: ClinVar variation 2923475 (VCV002923475.3), dbSNP rs1060501053, ClinGen allele CA392341464.
Genomic context (GRCh38, chr15:48,446,824, plus strand): 5'-ACCAATTGTGTTCCGGCAAGTTCCATTCCCACAGGCATCTCTTTCACATTCATTTATGTC[T>A]AGTAGGAAGAAAGGCCATAAAGAAACATAATTATAAGTAGAAAAAGTGGTTACACGGTTA-3'

ClinVar aggregate classification (germline): Likely pathogenic (1 of 4 stars; one submission).

Conditions:
Marfan syndrome (MFS). Also called: MARFAN SYNDROME, TYPE I; Marfan syndrome type 1; Marfan's syndrome; Marfan syndrome, classic; FBN1-Related Marfan Syndrome. Identifiers: Orphanet 284963, Orphanet 558, MedGen C0024796, MONDO:0007947, OMIM 154700.
Familial thoracic aortic aneurysm and aortic dissection (TAAD). Also called: Thoracic aortic aneurysms and dissections. Identifiers: Orphanet 91387, MedGen C4707243, MONDO:0019625.

Submission:

Labcorp Genetics (formerly Invitae), Labcorp
Classification: Likely pathogenic for Marfan syndrome; Familial thoracic aortic aneurysm and aortic dissection. Last evaluated: 2018-02-27. Review status: criteria provided, single submitter. Criteria: Invitae Variant Classification Sherloc (09022015). Collection method: clinical testing. Allele origin: germline.
Comment: This sequence change affects an acceptor splice site in intron 46 of the FBN1 gene. It is expected to disrupt RNA splicing and likely results in an absent or disrupted protein product. This variant is not present in population databases (ExAC no frequency). This variant has not been reported in the literature in individuals with FBN1-related disease. Donor and acceptor splice site variants typically lead to a loss of protein function (PMID: 16199547), and loss-of-function variants in FBN1 are known to be pathogenic (PMID: 17657824, 19293843). In summary, the currently available evidence indicates that the variant is pathogenic, but additional data are needed to prove that conclusively. Therefore, this variant has been classified as Likely Pathogenic.

Literature cited by the submitters: PubMed 16199547; PubMed 17657824; PubMed 19293843.